The following is an entry in ClinVar:

NM_000492.4(CFTR):c.744-33=

Gene: CFTR (CF transmembrane conductance regulator; plus strand). Cytogenetic location: 7q31.2.
Variant type: Variation.
Coding change: c.744-33= on transcript NM_000492.4 (MANE Select); 33 bases into the intron before coding-DNA position 744, no change from the reference sequence.
Molecular consequence: intron variant.
Genome position: GRCh38: chr7:117,536,515-117,536,542. GRCh37 (hg19): chr7:117,176,569-117,176,596.
Identifiers: ClinVar variation 818102 (VCV000818102.1).

ClinVar aggregate classification (germline): Benign (1 of 4 stars; one submission).

Conditions:
Cystic fibrosis (CF). Also called: MUCOVISCIDOSIS. Identifiers: Orphanet 586, MedGen C0010674, MONDO:0009061, OMIM 219700. Disease mechanism: loss of function.

Submission:

CFTR-France
Classification: Benign for cystic fibrosis. Last evaluated: 2018-01-29. Review status: criteria provided, single submitter. Criteria: Claustres M et al. (Hum Mutat 2017). Collection method: curation. Allele origin: germline. Affected: yes and no.
Comment: the variant does not result in CFTR-RD neither